The following is an entry in ClinVar:

ClinVar aggregate classification (germline): Likely pathogenic (1 of 4 stars; one submission).

Conditions:
Bethlem myopathy 1A. Also called: Bethlem myopathy 1; MYOPATHY, BENIGN CONGENITAL, WITH CONTRACTURES; Bethlem Muscular Dystrophy. Identifiers: Orphanet 610, MedGen CN029274, MONDO:0024530, OMIM 158810.

Submission:

Labcorp Genetics (formerly Invitae), Labcorp
Classification: Likely pathogenic for Bethlem myopathy 1A. Last evaluated: 2024-06-25. Review status: criteria provided, single submitter. Criteria: Invitae Variant Classification Sherloc (09022015). Collection method: clinical testing. Allele origin: germline.
Comment: This variant results in the deletion of part of exon 8 (c.901-9_909del) of the COL6A2 gene. It is expected to disrupt RNA splicing. Variants that disrupt the donor or acceptor splice site typically lead to a loss of protein function (PMID: 16199547), and loss-of-function variants in COL6A2 are known to be disease-causing for autosomal recessive COL6A2-related conditions (PMID: 21280092, 20976770). However, certain variants affecting donor or acceptor splice sites in the triple helical domain of COL6A2 are expected to result in in-frame exon skipping and have been reported to cause autosomal dominant COL6A2-related conditions (PMID: 18366090). This variant is not present in population databases (gnomAD no frequency). This variant has not been reported in the literature in individuals affected with COL6A2-related conditions. This variant disrupts the triple helix domain of COL6A2. Glycine residues within the Gly-Xaa-Yaa repeats of the triple helix domain are required for the structure and stability of fibrillar collagens (PMID: 7695699, 8218237, 19344236). In COL6A2, missense variants at these glycine residues are significantly enriched in individuals with autosomal dominant disease (PMID: 15689448, 24038877) compared to the general population (ExAC). In summary, the currently available evidence indicates that the variant is pathogenic, but additional data are needed to prove that conclusively. Therefore, this variant has been classified as Likely Pathogenic.

Literature cited by the submitters: PubMed 16199547; PubMed 21280092; PubMed 20976770; PubMed 18366090; PubMed 7695699; PubMed 8218237; PubMed 19344236; PubMed 15689448; PubMed 24038877.

NM_001849.4(COL6A2):c.901-9_909del

Gene: COL6A2 (collagen type VI alpha 2 chain; plus strand). Cytogenetic location: 21q22.3.
Variant type: Deletion.
Coding change: c.901-9_909del on transcript NM_001849.4 (MANE Select); 9 bases into the intron before coding-DNA position 901 through coding-DNA position 909, 18 bases deleted (TGCCCCCAGGGCGTTCCT).
Molecular consequence: splice acceptor variant.
Genome position (GRCh38, 1-based): chr21:46,116,368-46,116,385, TGCCCCCAGGGCGTTCCT deleted. VCF-style (leftmost placement, unchanged base first): chr21-46116367-CTGCCCCCAGGGCGTTCCT-C. GRCh37 (hg19) VCF-style: chr21-47536281-CTGCCCCCAGGGCGTTCCT-C.
Other names: c.901-9_909del (NM_058175.3, NM_058174.3).
Identifiers: ClinVar variation 3645842 (VCV003645842.2).